The following is an entry in ClinVar:

NM_001173990.3(TMEM216):c.*21A>G

Gene: TMEM216 (transmembrane protein 216; plus strand). Cytogenetic location: 11q12.2.
Variant type: single nucleotide variant.
Coding change: c.*21A>G on transcript NM_001173990.3 (MANE Select); 21 bases downstream of the stop codon, A replaced by G.
Molecular consequence: 3 prime UTR variant.
Genome position (GRCh38, 1-based): chr11:61,398,297, A>G. VCF-style: chr11-61398297-A-G. GRCh37 (hg19) VCF-style: chr11-61165769-A-G.
Other names: c.*21A>G (NM_001173991.3, NM_001330285.2, NM_016499.6).
Identifiers: ClinVar variation 257594 (VCV000257594.32), dbSNP rs111371929, ClinGen allele CA6034791.

ClinVar aggregate classification (germline): Conflicting classifications of pathogenicity. Review status: criteria provided, conflicting classifications (1 of 4 stars). 5 submissions from 4 submitters: Uncertain significance (1); Likely benign (4). Last evaluated 2026-09-01.

Conditions:
Meckel syndrome, type 2 (MKS2). Also called: MKS2-Related Meckel Syndrome; MECKEL-GRUBER SYNDROME, TYPE 2. Identifiers: Orphanet 564, MedGen C1864148, MONDO:0011296, OMIM 603194.
Joubert syndrome 2 (JBTS2). Also called: CEREBELLOOCULORENAL SYNDROME 2. Identifiers: Orphanet 2318, MedGen C1842577, MONDO:0011963, OMIM 608091.

Allele frequency attached by ClinVar (database versions not stated): 1000 Genomes Project 30x 0.00187; 1000 Genomes Project 0.00200; gnomAD exomes 0.00500 and 0.00777; ExAC 0.00547; gnomAD 0.00567 and 0.00615; TOPMed 0.00600; ESP Exome Variant Server 0.00628.
gnomAD v4.1: 12,124 of 1,610,568 alleles (0.75%); highest among the groups gnomAD compares: Non-Finnish European, 0.95%; 62 homozygotes.

Submissions (5):

CeGaT Center for Human Genetics Tuebingen
Classification: Likely benign. Last evaluated: 2026-09-01. Review status: criteria provided, single submitter. Criteria: CeGaT Center For Human Genetics Tuebingen Variant Classification Criteria Version 2. Collection method: clinical testing. Allele origin: germline. Affected: yes. Observed: 16 variant alleles.
Comment: TMEM216: BS2

GeneDx
Classification: Likely benign. Last evaluated: 2020-04-03. Review status: criteria provided, single submitter. Criteria: GeneDx Variant Classification Process June 2021. Collection method: clinical testing. Allele origin: germline. Affected: yes.

Illumina Laboratory Services, Illumina
Classification: Likely benign for Joubert syndrome 2. Last evaluated: 2018-01-13. Review status: criteria provided, single submitter. Criteria: ICSL Variant Classification Criteria 13 December 2019. Collection method: clinical testing. Allele origin: germline.
Comment: This variant was observed in the ICSL laboratory as part of a predisposition screen in an ostensibly healthy population. It had not been previously curated by ICSL or reported in the Human Gene Mutation Database (HGMD: prior to June 1st, 2018), and was therefore a candidate for classification through an automated scoring system. Utilizing variant allele frequency, disease prevalence and penetrance estimates, and inheritance mode, an automated score was calculated to assess if this variant is too frequent to cause the disease. Based on the score and internal cut-off values, a variant classified as likely benign is not then subjected to further curation. The score for this variant resulted in a classification of likely benign for this disease.

Illumina Laboratory Services, Illumina
Classification: Uncertain significance for Meckel syndrome, type 2. Last evaluated: 2018-01-13. Review status: criteria provided, single submitter. Criteria: ICSL Variant Classification Criteria 13 December 2019. Collection method: clinical testing. Allele origin: germline.

PreventionGenetics, part of Exact Sciences
Classification: Likely benign. Review status: criteria provided, single submitter. Criteria: ACMG Guidelines, 2015. Collection method: clinical testing. Allele origin: germline.